The following is an entry in ClinVar:

NM_000540.3(RYR1):c.2815G>C (p.Gly939Arg)

Gene: RYR1 (ryanodine receptor 1; plus strand). Cytogenetic location: 19q13.2.
Variant type: single nucleotide variant.
Coding change: c.2815G>C on transcript NM_000540.3 (MANE Select); coding-DNA position 2815, G replaced by C.
Protein change: p.Gly939Arg; replaces glycine 939 with arginine.
Molecular consequence: missense variant.
Genome position (GRCh38, 1-based): chr19:38,464,667, G>C. VCF-style: chr19-38464667-G-C. GRCh37 (hg19) VCF-style: chr19-38955307-G-C.
Other names: c.2815G>C, p.Gly939Arg (NM_001042723.2); short protein forms G939R.
Identifiers: ClinVar variation 3711368 (VCV003711368.2).

ClinVar aggregate classification (germline): Uncertain significance (1 of 4 stars; one submission).

Conditions:
RYR1-related disorder. Also called: RYR1-related condition; RYR1-related disorders. Identifiers: MedGen CN239331.

gnomAD v4.1: 4 of 1,593,182 alleles (0.00025%); highest among the groups gnomAD compares: Non-Finnish European, 0.00026%; no homozygotes.

Submission:

Labcorp Genetics (formerly Invitae), Labcorp
Classification: Uncertain significance for RYR1-related disorder. Last evaluated: 2024-03-23. Review status: criteria provided, single submitter. Criteria: Invitae Variant Classification Sherloc (09022015). Collection method: clinical testing. Allele origin: germline.
Comment: This sequence change replaces glycine, which is neutral and non-polar, with arginine, which is basic and polar, at codon 939 of the RYR1 protein (p.Gly939Arg). This variant is not present in population databases (gnomAD no frequency). This variant has not been reported in the literature in individuals affected with RYR1-related conditions. Advanced modeling of protein sequence and biophysical properties (such as structural, functional, and spatial information, amino acid conservation, physicochemical variation, residue mobility, and thermodynamic stability) has been performed at Invitae for this missense variant, however the output from this modeling did not meet the statistical confidence thresholds required to predict the impact of this variant on RYR1 protein function. In summary, the available evidence is currently insufficient to determine the role of this variant in disease. Therefore, it has been classified as a Variant of Uncertain Significance.